The following is an entry in ClinVar:

NM_018136.5(ASPM):c.5657G>A (p.Arg1886His)

Gene: ASPM (assembly factor for spindle microtubules; minus strand). Cytogenetic location: 1q31.3.
Variant type: single nucleotide variant.
Coding change: c.5657G>A on transcript NM_018136.5 (MANE Select); coding-DNA position 5657, G replaced by A.
Protein change: p.Arg1886His; replaces arginine 1886 with histidine.
Molecular consequence: missense variant. On other transcripts: intron variant (1).
Genome position (GRCh38, 1-based): chr1:197,103,594, C>T on the plus strand (G>A on the coding strand, the complement: ASPM is on the minus strand). VCF-style: chr1-197103594-C-T. GRCh37 (hg19) VCF-style: chr1-197072724-C-T.
Other names: c.4066-7430G>A (NM_001206846.2); short protein forms R1886H.
Identifiers: ClinVar variation 5019278 (VCV005019278.2).
Genomic context (GRCh38, chr1:197,103,594, plus strand): 5'-GACTGAATCTTCAAGGCAGCTTGATGTTCCCTTCTAATCTGTTTCCGAACCTTCCAGCCA[C>T]GATAAGCAGACTGGAGGGAAATCACAGCTGCCTTTGTCTTCAAAAAATGTGTTCTTGTAT-3'
Protein context (NP_060606.3, residues 1876-1896): AAVISLQSAY[Arg1886His]GWKVRKQIRR

ClinVar aggregate classification (germline): Uncertain significance (1 of 4 stars; one submission).

Conditions:
Microcephaly 5, primary, autosomal recessive (MCPH5). Also called: ASPM Primary Microcephaly. Identifiers: Orphanet 2512, MedGen C1837501, MONDO:0012106, OMIM 608716.

gnomAD v4.1: 19 of 1,612,862 alleles (0.0012%); highest among the groups gnomAD compares: Middle Eastern, 0.017%; no homozygotes.

Submission:

Juno Genomics, Hangzhou Juno Genomics, Inc
Classification: Uncertain significance for Microcephaly 5, primary, autosomal recessive. Review status: criteria provided, single submitter. Criteria: ACMG Guidelines, 2015. Collection method: clinical testing. Allele origin: germline.
Comment: Absent from controls (or at extremely low frequency if recessive) in Genome Aggregation Database.;Multiple lines of computational evidence support a deleterious effect on the gene or gene product.